The following is an entry in ClinVar:

NM_006766.5(KAT6A):c.5408C>T (p.Thr1803Ile)

Gene: KAT6A (lysine acetyltransferase 6A; minus strand). Cytogenetic location: 8p11.21.
Variant type: single nucleotide variant.
Coding change: c.5408C>T on transcript NM_006766.5 (MANE Select); coding-DNA position 5408, C replaced by T.
Protein change: p.Thr1803Ile; replaces threonine 1803 with isoleucine.
Molecular consequence: missense variant.
Genome position (GRCh38, 1-based): chr8:41,932,812, G>A on the plus strand (C>T on the coding strand, the complement: KAT6A is on the minus strand). VCF-style: chr8-41932812-G-A. GRCh37 (hg19) VCF-style: chr8-41790330-G-A.
Other names: short protein forms T1803I.
Identifiers: ClinVar variation 4747380 (VCV004747380.1).

ClinVar aggregate classification (germline): Uncertain significance (1 of 4 stars; one submission).

Submission:

Labcorp Genetics (formerly Invitae), Labcorp
Classification: Uncertain significance. Last evaluated: 2025-06-27. Review status: criteria provided, single submitter. Criteria: Invitae Variant Classification Sherloc (09022015). Collection method: clinical testing. Allele origin: germline.
Comment: This sequence change replaces threonine, which is neutral and polar, with isoleucine, which is neutral and non-polar, at codon 1803 of the KAT6A protein (p.Thr1803Ile). This variant is not present in population databases (gnomAD no frequency). This variant has not been reported in the literature in individuals affected with KAT6A-related conditions. Invitae Evidence Modeling of protein sequence and biophysical properties (such as structural, functional, and spatial information, amino acid conservation, physicochemical variation, residue mobility, and thermodynamic stability) indicates that this missense variant is not expected to disrupt KAT6A protein function with a negative predictive value of 95%. In summary, the available evidence is currently insufficient to determine the role of this variant in disease. Therefore, it has been classified as a Variant of Uncertain Significance.